The following is an entry in ClinVar:

ClinVar aggregate classification (germline): Conflicting classifications of pathogenicity. Review status: criteria provided, conflicting classifications (1 of 4 stars). 6 submissions from 6 submitters: Uncertain significance (3); Benign (1); Likely benign (2). Last evaluated 2026-02-01.

Conditions:
Autosomal recessive nonsyndromic hearing loss 28. Identifiers: Orphanet 90636, MedGen C1853276, MONDO:0012355, OMIM 609823.

Allele frequency attached by ClinVar (database versions not stated): 1000 Genomes Project 0.00020; 1000 Genomes Project 30x 0.00031; gnomAD 0.00221; ESP Exome Variant Server 0.00353.
gnomAD v4.1: 5,574 of 1,613,024 alleles (0.35%); highest among the groups gnomAD compares: Non-Finnish European, 0.42%; 13 homozygotes.

Submissions (6):

Labcorp Genetics (formerly Invitae), Labcorp
Classification: Benign. Last evaluated: 2026-02-01. Review status: criteria provided, single submitter. Criteria: Invitae Variant Classification Sherloc (09022015). Collection method: clinical testing. Allele origin: germline.

Blueprint Genetics
Classification: Likely benign. Last evaluated: 2024-11-18. Review status: criteria provided, single submitter. Criteria: ACMG Guidelines, 2015. Collection method: clinical testing. Allele origin: germline.

Department of Pathology and Laboratory Medicine, Sinai Health System
Classification: Likely benign for Autosomal recessive nonsyndromic hearing loss 28. Last evaluated: 2021-07-30. Review status: criteria provided, single submitter. Criteria: ACMG Guidelines, 2015. Collection method: research. Allele origin: germline.

Fulgent Genetics
Classification: Uncertain significance for Autosomal recessive nonsyndromic hearing loss 28. Last evaluated: 2018-10-31. Review status: criteria provided, single submitter. Criteria: ACMG Guidelines, 2015. Collection method: clinical testing. Allele origin: unknown.

GeneDx
Classification: Uncertain significance. Last evaluated: 2017-08-14. Review status: criteria provided, single submitter. Criteria: GeneDx Variant Classification (06012015). Collection method: clinical testing. Allele origin: germline. Affected: yes.
Comment: The Q717E variant in the TRIOBP gene has not been reported previously as a pathogenic variant, nor as a benign variant, to our knowledge. The XX variant is observed in 232/66734 (0.35%) alleles from individuals of non-Finnish European background in the ExAC dataset (Lek et al., 2016). The Q717E variant is a semi-conservative amino acid substitution, which may impact secondary protein structure as these residues differ in some properties. This substitution occurs at a position that is not conserved. In silico analysis predicts this variant likely does not alter the protein structure/function. We interpret Q717E as a variant of uncertain significance.

Eurofins Ntd Llc (ga)
Classification: Uncertain significance. Last evaluated: 2016-03-21. Review status: criteria provided, single submitter. Criteria: EGL Classification Definitions 2015. Collection method: clinical testing. Allele origin: germline. Observed: 1 variant allele, 1 heterozygote.

NM_001039141.3(TRIOBP):c.2149C>G (p.Gln717Glu)

Gene: TRIOBP (TRIO and F-actin binding protein; plus strand). Cytogenetic location: 22q13.1.
Variant type: single nucleotide variant.
Coding change: c.2149C>G on transcript NM_001039141.3 (MANE Select); coding-DNA position 2149, C replaced by G.
Protein change: p.Gln717Glu; replaces glutamine 717 with glutamic acid.
Molecular consequence: missense variant.
Genome position (GRCh38, 1-based): chr22:37,724,705, C>G. VCF-style: chr22-37724705-C-G. GRCh37 (hg19) VCF-style: chr22-38120712-C-G.
Other names: short protein forms Q717E.
Identifiers: ClinVar variation 286759 (VCV000286759.16), dbSNP rs186620158, ClinGen allele CA10223804.
Genomic context (GRCh38, chr22:37,724,705, plus strand): 5'-AGAACATCCTGTGCCCAACGGGACGATCCCAGAGCCTCCTCTCCTAACAGAACCACCCAA[C>G]AAGAGAACCCCAGAACATCCTGTGCCCGACGGGACAATCCCAGAGCCTCCTCTCGCAACA-3'
Protein context (NP_001034230.1, residues 707-727): RASSPNRTTQ[Gln717Glu]ENPRTSCARR